The following is an entry in ClinVar:

NM_133459.4(CCBE1):c.*4945C>A

Gene: CCBE1 (collagen and calcium binding EGF domains 1; minus strand). Cytogenetic location: 18q21.32.
Variant type: single nucleotide variant.
Coding change: c.*4945C>A on transcript NM_133459.4 (MANE Select); 4945 bases downstream of the stop codon, C replaced by A.
Molecular consequence: 3 prime UTR variant.
Genome position (GRCh38, 1-based): chr18:59,430,963, G>T on the plus strand (C>A on the coding strand, the complement: CCBE1 is on the minus strand). VCF-style: chr18-59430963-G-T. GRCh37 (hg19) VCF-style: chr18-57098195-G-T.
Other names: c.*4945C>A (LRG_1209t1).
Identifiers: ClinVar variation 327583 (VCV000327583.6), dbSNP rs1129748, ClinGen allele CA10647989.
Genomic context (GRCh38, chr18:59,430,963, plus strand): 5'-AAACCAGGTGTCAAGACAAAACACAGTAGAGCAATGTAAGAAAAATAACTTTGTTATTAA[G>T]CATATACAATCATAACAAAAGTACATCATAGTATCACATCCATAATTGCTTGAATGCTAA-3'

ClinVar aggregate classification (germline): Benign. Review status: criteria provided, multiple submitters, no conflicts (2 of 4 stars). 2 submissions from 2 submitters: Benign (2). Last evaluated 2018-01-13.

Conditions:
Hennekam lymphangiectasia-lymphedema syndrome 1 (HKLLS1). Also called: LYMPHATIC DYSPLASIA, GENERALIZED. Identifiers: Orphanet 2136, MedGen C4012050, MONDO:0009337, OMIM 235510.

Allele frequency attached by ClinVar (database versions not stated): TOPMed 0.78528; gnomAD 0.78704 and 0.78917; 1000 Genomes Project 30x 0.79076; 1000 Genomes Project 0.79273.

Submissions (2):

Illumina Laboratory Services, Illumina
Classification: Benign for Hennekam lymphangiectasia-lymphedema syndrome 1. Last evaluated: 2018-01-13. Review status: criteria provided, single submitter. Criteria: ICSL Variant Classification Criteria 13 December 2019. Collection method: clinical testing. Allele origin: germline.
Comment: This variant was observed in the ICSL laboratory as part of a predisposition screen in an ostensibly healthy population. It had not been previously curated by ICSL or reported in the Human Gene Mutation Database (HGMD: prior to June 1st, 2018), and was therefore a candidate for classification through an automated scoring system. Utilizing variant allele frequency, disease prevalence and penetrance estimates, and inheritance mode, an automated score was calculated to assess if this variant is too frequent to cause the disease. Based on the score and internal cut-off values, a variant classified as benign is not then subjected to further curation. The score for this variant resulted in a classification of benign for this disease.

Breakthrough Genomics
Classification: Benign. Review status: criteria provided, single submitter. Criteria: ACMG Guidelines, 2015. Collection method: not provided. Allele origin: germline. Inheritance: Autosomal recessive inheritance. Affected: yes.